The following is an entry in ClinVar:

NM_002241.5(KCNJ10):c.886G>A (p.Val296Met)

Gene: KCNJ10 (potassium inwardly rectifying channel subfamily J member 10; minus strand). Cytogenetic location: 1q23.2.
Variant type: single nucleotide variant.
Coding change: c.886G>A on transcript NM_002241.5 (MANE Select); coding-DNA position 886, G replaced by A.
Protein change: p.Val296Met; replaces valine 296 with methionine.
Molecular consequence: missense variant.
Genome position (GRCh38, 1-based): chr1:160,041,647, C>T on the plus strand (G>A on the coding strand, the complement: KCNJ10 is on the minus strand). VCF-style: chr1-160041647-C-T. GRCh37 (hg19) VCF-style: chr1-160011437-C-T.
Other names: short protein forms V296M.
Identifiers: ClinVar variation 3343170 (VCV003343170.1).

ClinVar aggregate classification (germline): Uncertain significance (1 of 4 stars; one submission).

gnomAD v4.1: 1 of 1,614,202 alleles (0.000062%); no homozygotes.

Submission:

GeneDx
Classification: Uncertain significance. Last evaluated: 2023-05-01. Review status: criteria provided, single submitter. Criteria: GeneDx Variant Classification Process June 2021. Collection method: clinical testing. Allele origin: germline. Affected: yes.
Comment: Not observed at significant frequency in large population cohorts (gnomAD); In silico analysis supports that this missense variant does not alter protein structure/function; Has not been previously published as pathogenic or benign to our knowledge